The following is an entry in ClinVar:

NM_130849.4(SLC39A4):c.166_187del (p.His56fs)

Gene: SLC39A4 (solute carrier family 39 member 4; minus strand). Cytogenetic location: 8q24.3.
Variant type: Deletion.
Coding change: c.166_187del on transcript NM_130849.4 (MANE Select); coding-DNA positions 166 to 187, 22 bases deleted (CACTGCGCCAACGGGCCGTGTG).
Protein change: p.His56fs; shifts the reading frame from histidine 56.
Molecular consequence: frameshift variant.
Genome position (GRCh38, 1-based): chr8:144,416,603-144,416,624, CACACGGCCCGTTGGCGCAGTG deleted on the plus strand (CACTGCGCCAACGGGCCGTGTG on the coding strand, the reverse complement: SLC39A4 is on the minus strand); deleting any 22 consecutive bases within chr8:144,416,603-144,416,631 gives the same sequence; the c. name uses the placement nearest the transcript's 3' end. VCF-style (leftmost placement, unchanged base first): chr8-144416602-CCACACGGCCCGTTGGCGCAGTG-C. GRCh37 (hg19) VCF-style: chr8-145641986-CCACACGGCCCGTTGGCGCAGTG-C.
Other names: c.166_187del, p.His56fs (NM_001374839.1); short protein forms H56fs.
Identifiers: ClinVar variation 4816458 (VCV004816458.1).
Genomic context (GRCh38, chr8:144,416,602, plus strand): 5'-GGCGGAGCTGGCGGGAAGAGGCCAGGGCTGGGGGACCCGTCGGGTGGGGCTGTTACCTTT[CCACACGGCCCGTTGGCGCAGTG>C]CACACGGTCCGCCAGCGTATTTAACAGGCCGCCCAGAGCCTCTTGATCCAGAGCGCCCTG-3'

ClinVar aggregate classification (germline): Likely pathogenic (1 of 4 stars; one submission).

Conditions:
Hereditary acrodermatitis enteropathica (AEZ). Also called: Acrodermatitis enteropathica. Identifiers: Orphanet 37, MedGen C0221036, MONDO:0008713, OMIM 201100.

Submission:

Natera, Inc.
Classification: Likely pathogenic for Acrodermatitis enteropathica. Last evaluated: 2024-06-26. Review status: criteria provided, single submitter. Criteria: Natera Variant Classification Schema (03/2026). Collection method: clinical testing. Allele origin: germline.
Comment: The c.166_187delCACTGCGCCAACGGGCCGTGTG variant in SLC39A4 is a frameshift variant predicted to shift the reading frame beginning at codon 56 and leads to a stop codon 74 codons downstream. This variant is expected to result in nonsense mediated decay, truncation, or a dysfunctional protein product. This variant is rare in the general population with a frequency below the threshold expected for the associated phenotype(s). Given the available evidence, this variant is classified as Likely Pathogenic.